The following is an entry in ClinVar:

NM_014112.5(TRPS1):c.245C>A (p.Ser82Tyr)

Gene: TRPS1 (transcriptional repressor GATA binding 1; minus strand). Cytogenetic location: 8q23.3.
Variant type: single nucleotide variant.
Coding change: c.245C>A on transcript NM_014112.5 (MANE Select); coding-DNA position 245, C replaced by A.
Protein change: p.Ser82Tyr; replaces serine 82 with tyrosine.
Molecular consequence: missense variant.
Genome position (GRCh38, 1-based): chr8:115,619,853, G>T on the plus strand (C>A on the coding strand, the complement: TRPS1 is on the minus strand). VCF-style: chr8-115619853-G-T. GRCh37 (hg19) VCF-style: chr8-116632080-G-T.
Other names: c.218C>A, p.Ser73Tyr (NM_001282902.3); c.224C>A, p.Ser75Tyr (NM_001282903.3); c.206C>A, p.Ser69Tyr (NM_001330599.2); short protein forms S69Y, S73Y, S75Y, S82Y.
Identifiers: ClinVar variation 4686299 (VCV004686299.1).

ClinVar aggregate classification (germline): Uncertain significance (1 of 4 stars; one submission).

Submission:

GeneDx
Classification: Uncertain significance. Last evaluated: 2025-07-17. Review status: criteria provided, single submitter. Criteria: GeneDx Variant Classification Process June 2021. Collection method: clinical testing. Allele origin: germline. Affected: yes.
Comment: Not observed at significant frequency in large population cohorts (gnomAD); In silico analysis supports that this missense variant has a deleterious effect on protein structure/function; Has not been previously published as pathogenic or benign to our knowledge